The following is an entry in ClinVar:

ClinVar aggregate classification (germline): Uncertain significance (1 of 4 stars; one submission).

Allele frequency attached by ClinVar (database versions not stated): TOPMed below 0.00001; gnomAD 0.00001; gnomAD exomes 0.00001.
gnomAD v4.1: 16 of 1,179,395 alleles (0.0014%); highest among the groups gnomAD compares: Non-Finnish European, 0.0016%; no homozygotes.

Submission:

Labcorp Genetics (formerly Invitae), Labcorp
Classification: Uncertain significance. Last evaluated: 2022-05-26. Review status: criteria provided, single submitter. Criteria: Invitae Variant Classification Sherloc (09022015). Collection method: clinical testing. Allele origin: germline.
Comment: In summary, the available evidence is currently insufficient to determine the role of this variant in disease. Therefore, it has been classified as a Variant of Uncertain Significance. Algorithms developed to predict the effect of missense changes on protein structure and function are either unavailable or do not agree on the potential impact of this missense change (SIFT: "Deleterious"; PolyPhen-2: "Benign"; Align-GVGD: "Class C65"). This variant has not been reported in the literature in individuals affected with DRP2-related conditions. This variant is not present in population databases (gnomAD no frequency). This sequence change replaces arginine, which is basic and polar, with threonine, which is neutral and polar, at codon 804 of the DRP2 protein (p.Arg804Thr).

NM_001939.3(DRP2):c.2411G>C (p.Arg804Thr)

Gene: DRP2 (dystrophin related protein 2; plus strand). Cytogenetic location: Xq22.1.
Variant type: single nucleotide variant.
Coding change: c.2411G>C on transcript NM_001939.3 (MANE Select); coding-DNA position 2411, G replaced by C.
Protein change: p.Arg804Thr; replaces arginine 804 with threonine.
Molecular consequence: missense variant.
Genome position (GRCh38, 1-based): chrX:101,258,329, G>C. VCF-style: chrX-101258329-G-C. GRCh37 (hg19) VCF-style: chrX-100513318-G-C.
Other names: c.2177G>C, p.Arg726Thr (NM_001171184.2); short protein forms R726T, R804T.
Identifiers: ClinVar variation 1973635 (VCV001973635.5), dbSNP rs2091206724, ClinGen allele CA413909530.